The following is an entry in ClinVar:

NM_006017.3(PROM1):c.2211+2T>C

Gene: PROM1 (prominin 1; minus strand). Cytogenetic location: 4p15.32.
Variant type: single nucleotide variant.
Coding change: c.2211+2T>C on transcript NM_006017.3 (MANE Select); the canonical splice donor site of the intron after coding-DNA position 2211, T replaced by C.
Molecular consequence: splice donor variant.
Genome position (GRCh38, 1-based): chr4:15,985,955, A>G on the plus strand (T>C on the coding strand, the complement: PROM1 is on the minus strand). VCF-style: chr4-15985955-A-G. GRCh37 (hg19) VCF-style: chr4-15987578-A-G.
Other names: c.2184+2T>C (NM_001145848.2, NM_001145852.2, NM_001145847.2 and 4 more transcripts); c.2211+2T>C (NM_001145850.2, NM_001145849.2).
Identifiers: ClinVar variation 2019606 (VCV002019606.4), dbSNP rs2475050239, ClinGen allele CA356428165.

ClinVar aggregate classification (germline): Pathogenic (1 of 4 stars; one submission).

Submission:

Labcorp Genetics (formerly Invitae), Labcorp
Classification: Pathogenic. Last evaluated: 2025-03-17. Review status: criteria provided, single submitter. Criteria: Invitae Variant Classification Sherloc (09022015). Collection method: clinical testing. Allele origin: germline.
Comment: This sequence change affects a donor splice site in intron 20 of the PROM1 gene. It is expected to disrupt RNA splicing. Variants that disrupt the donor or acceptor splice site typically lead to a loss of protein function (PMID: 16199547), and loss-of-function variants in PROM1 are known to be pathogenic (PMID: 17605048, 19718270, 24154662, 25474345). This variant is not present in population databases (gnomAD no frequency). Disruption of this splice site has been observed in individual(s) with clinical features of Stargardt disease (internal data). ClinVar contains an entry for this variant (Variation ID: 2019606). Algorithms developed to predict the effect of sequence changes on RNA splicing suggest that this variant may disrupt the consensus splice site. For these reasons, this variant has been classified as Pathogenic.

Literature cited by the submitters: PubMed 16199547; PubMed 17605048; PubMed 19718270; PubMed 24154662; PubMed 25474345.